The following is an entry in ClinVar:

NM_004415.4(DSP):c.1274G>T (p.Arg425Leu)

Gene: DSP (desmoplakin; plus strand). Cytogenetic location: 6p24.3.
Variant type: single nucleotide variant.
Coding change: c.1274G>T on transcript NM_004415.4 (MANE Select); coding-DNA position 1274, G replaced by T.
Protein change: p.Arg425Leu; replaces arginine 425 with leucine.
Molecular consequence: missense variant.
Genome position (GRCh38, 1-based): chr6:7,568,444, G>T. VCF-style: chr6-7568444-G-T. GRCh37 (hg19) VCF-style: chr6-7568677-G-T.
Other names: c.1274G>T, p.Arg425Leu (NM_001008844.3, NM_001319034.2); c.1274G>T (LRG_423t1); short protein forms R425L.
Identifiers: ClinVar variation 565929 (VCV000565929.8), dbSNP rs397516916, ClinGen allele CA133956046.
Genomic context (GRCh38, chr6:7,568,444, plus strand): 5'-TCTAAAACTCACAGGGTATCTATGTTTAAGTATGATTTTATTCACCATTGCAGAAAGAAC[G>T]AGAGAAAATCCTTGAATACAAGCGTCAGGTGCAGAACTTGGTAAACAAGTCTAAGAAGAT-3'
Protein context (NP_004406.2, residues 415-435): LEQIKELEKE[Arg425Leu]EKILEYKRQV

ClinVar aggregate classification (germline): Uncertain significance. Review status: criteria provided, multiple submitters, no conflicts (2 of 4 stars). 3 submissions from 3 submitters: Uncertain significance (3). Last evaluated 2026-07-06.

Conditions:
Cardiomyopathy (CMYO). Also called: Cardiomyopathies. Identifiers: Orphanet 167848, MedGen C0878544, MONDO:0004994, HP:0001638. Inheritance: Various modes of inheritance.
Cardiovascular phenotype. Identifiers: MedGen CN230736.
Arrhythmogenic cardiomyopathy with wooly hair and keratoderma. Also called: Arrhythmogenic cardiomyopathy with woolly hair and keratoderma; PALMOPLANTAR KERATODERMA WITH LEFT VENTRICULAR CARDIOMYOPATHY AND WOOLLY HAIR; Carvajal syndrome; Dilated cardiomyopathy with woolly hair and keratoderma. Identifiers: Orphanet 65282, MedGen C1854063, MONDO:0011581, OMIM 605676.
Arrhythmogenic right ventricular dysplasia 8 (ARVD8). Also called: ARRHYTHMOGENIC RIGHT VENTRICULAR DYSPLASIA, FAMILIAL, 8; ARRHYTHMOGENIC RIGHT VENTRICULAR CARDIOMYOPATHY 8; Arrhythmogenic Right Ventricular Dysplasia/Cardiomyopathy 8. Identifiers: MedGen C1843896, MONDO:0011831, OMIM 607450.

gnomAD v4.1: 1 of 1,614,016 alleles (0.000062%); highest among the groups gnomAD compares: Non-Finnish European, 0.000085%; no homozygotes.

Submissions (3):

Ambry Genetics
Classification: Uncertain significance for Cardiovascular phenotype. Last evaluated: 2026-07-06. Review status: criteria provided, single submitter. Criteria: Ambry Variant Classification Scheme 2023. Collection method: clinical testing. Allele origin: germline.
Comment: The p.R425L variant (also known as c.1274G>T), located in coding exon 11 of the DSP gene, results from a G to T substitution at nucleotide position 1274. The arginine at codon 425 is replaced by leucine, an amino acid with dissimilar properties. This amino acid position is conserved. In addition, the in silico prediction for this alteration is inconclusive. Based on the available evidence, the clinical significance of this variant remains unclear.

Color Diagnostics, LLC DBA Color Health
Classification: Uncertain significance for Cardiomyopathy. Last evaluated: 2024-03-04. Review status: criteria provided, single submitter. Criteria: ACMG Guidelines, 2015. Collection method: clinical testing. Allele origin: germline.
Comment: This missense variant replaces arginine with leucine at codon 425 of the DSP protein. Computational prediction is inconclusive regarding the impact of this variant on protein structure and function. To our knowledge, functional studies have not been reported for this variant. This variant has not been reported in individuals affected with DSP-related disorders in the literature. This variant has not been identified in the general population by the Genome Aggregation Database (gnomAD). The available evidence is insufficient to determine the role of this variant in disease conclusively. Therefore, this variant is classified as a Variant of Uncertain Significance.

Labcorp Genetics (formerly Invitae), Labcorp
Classification: Uncertain significance for Arrhythmogenic cardiomyopathy with wooly hair and keratoderma; Arrhythmogenic right ventricular dysplasia 8. Last evaluated: 2021-08-26. Review status: criteria provided, single submitter. Criteria: Invitae Variant Classification Sherloc (09022015). Collection method: clinical testing. Allele origin: germline.
Comment: This sequence change replaces arginine with leucine at codon 425 of the DSP protein (p.Arg425Leu). The arginine residue is highly conserved and there is a moderate physicochemical difference between arginine and leucine. This variant is not present in population databases (ExAC no frequency). This variant has not been reported in the literature in individuals affected with DSP-related conditions. Algorithms developed to predict the effect of missense changes on protein structure and function are either unavailable or do not agree on the potential impact of this missense change (SIFT: "Deleterious"; PolyPhen-2: "Benign"; Align-GVGD: "Class C0"). In summary, the available evidence is currently insufficient to determine the role of this variant in disease. Therefore, it has been classified as a Variant of Uncertain Significance.